The following is an entry in ClinVar:

NM_001298.3(CNGA3):c.746T>C (p.Phe249Ser)

Gene: CNGA3 (cyclic nucleotide gated channel subunit alpha 3; plus strand). Cytogenetic location: 2q11.2.
Variant type: single nucleotide variant.
Coding change: c.746T>C on transcript NM_001298.3 (MANE Select); coding-DNA position 746, T replaced by C.
Protein change: p.Phe249Ser; replaces phenylalanine 249 with serine.
Molecular consequence: missense variant.
Genome position (GRCh38, 1-based): chr2:98,395,916, T>C. VCF-style: chr2-98395916-T-C. GRCh37 (hg19) VCF-style: chr2-99012379-T-C.
Other names: c.692T>C, p.Phe231Ser (NM_001079878.2); short protein forms F231S, F249S.
Identifiers: ClinVar variation 2203118 (VCV002203118.4), dbSNP rs2467027461, ClinGen allele CA347832062.
Genomic context (GRCh38, chr2:98,395,916, plus strand): 5'-AAGGCTTAATGGTCAGTGATACCAACAGGCTGTGGCAGCATTACAAGACGACCACGCAGT[T>C]CAAGCTGGATGTGTTGTCCCTGGTCCCCACCGACCTGGCTTACTTAAAGGTGGGCACAAA-3'
Protein context (NP_001289.1, residues 239-259): LWQHYKTTTQ[Phe249Ser]KLDVLSLVPT

ClinVar aggregate classification (germline): Pathogenic (1 of 4 stars; one submission).

Allele frequency attached by ClinVar (database versions not stated): gnomAD exomes below 0.00001.
gnomAD v4.1: 2 of 1,614,202 alleles (0.00012%); highest among the groups gnomAD compares: Non-Finnish European, 0.00017%; no homozygotes.

Submission:

Labcorp Genetics (formerly Invitae), Labcorp
Classification: Pathogenic. Last evaluated: 2024-04-25. Review status: criteria provided, single submitter. Criteria: Invitae Variant Classification Sherloc (09022015). Collection method: clinical testing. Allele origin: germline.
Comment: This sequence change replaces phenylalanine, which is neutral and non-polar, with serine, which is neutral and polar, at codon 249 of the CNGA3 protein (p.Phe249Ser). This variant is not present in population databases (gnomAD no frequency). This missense change has been observed in individual(s) with achromatopsia (PMID: 15712225, 35332618). In at least one individual the data is consistent with being in trans (on the opposite chromosome) from a pathogenic variant. ClinVar contains an entry for this variant (Variation ID: 2203118). Advanced modeling of protein sequence and biophysical properties (such as structural, functional, and spatial information, amino acid conservation, physicochemical variation, residue mobility, and thermodynamic stability) performed at Invitae indicates that this missense variant is expected to disrupt CNGA3 protein function with a positive predictive value of 95%. For these reasons, this variant has been classified as Pathogenic.

Literature cited by the submitters: PubMed 15712225; PubMed 35332618.